The following is an entry in ClinVar:

ClinVar aggregate classification (germline): Uncertain significance (1 of 4 stars; one submission).

Submission:

GeneDx
Classification: Uncertain significance. Last evaluated: 2026-08-16. Review status: criteria provided, single submitter. Criteria: GeneDx Variant Classification Process June 2021. Collection method: clinical testing. Allele origin: germline.
Comment: Not observed at significant frequency in large population cohorts (gnomAD); In silico analysis supports that this missense variant has a deleterious effect on protein structure/function; Has not been previously published as pathogenic or benign to our knowledge

NM_015425.6(POLR1A):c.3776T>G (p.Ile1259Ser)

Genes: POLR1A (RNA polymerase I subunit A; minus strand), LOC106783498 (conserved acetylation island sequence 34 enhancer; plus strand). Cytogenetic location: 2p11.2.
Variant type: single nucleotide variant.
Coding change: c.3776T>G on transcript NM_015425.6 (MANE Select); coding-DNA position 3776, T replaced by G.
Protein change: p.Ile1259Ser; replaces isoleucine 1259 with serine.
Molecular consequence: missense variant.
Genome position (GRCh38, 1-based): chr2:86,039,427, A>C on the plus strand (T>G on the coding strand, the complement: POLR1A is on the minus strand). VCF-style: chr2-86039427-A-C. GRCh37 (hg19) VCF-style: chr2-86266550-A-C.
Other names: short protein forms I1259S.
Identifiers: ClinVar variation 3764360 (VCV003764360.2).